The following is an entry in ClinVar:

ClinVar aggregate classification (germline): Uncertain significance (1 of 4 stars; one submission).

Allele frequency attached by ClinVar (database versions not stated): ExAC 0.00001; gnomAD 0.00001; gnomAD exomes 0.00002; TOPMed 0.00002.
gnomAD v4.1: 27 of 1,613,736 alleles (0.0017%); highest among the groups gnomAD compares: East Asian, 0.0022%; no homozygotes.

Submission:

Labcorp Genetics (formerly Invitae), Labcorp
Classification: Uncertain significance. Last evaluated: 2022-03-17. Review status: criteria provided, single submitter. Criteria: Invitae Variant Classification Sherloc (09022015). Collection method: clinical testing. Allele origin: germline.
Comment: This sequence change replaces arginine, which is basic and polar, with cysteine, which is neutral and slightly polar, at codon 49 of the EFL1 protein (p.Arg49Cys). This variant is present in population databases (rs747015582, gnomAD 0.003%). This variant has not been reported in the literature in individuals affected with EFL1-related conditions. Algorithms developed to predict the effect of missense changes on protein structure and function are either unavailable or do not agree on the potential impact of this missense change (SIFT: "Deleterious"; PolyPhen-2: "Probably Damaging"; Align-GVGD: "Class C0"). In summary, the available evidence is currently insufficient to determine the role of this variant in disease. Therefore, it has been classified as a Variant of Uncertain Significance.

NM_024580.6(EFL1):c.145C>T (p.Arg49Cys)

Gene: EFL1 (elongation factor like GTPase 1; minus strand). Cytogenetic location: 15q25.2.
Variant type: single nucleotide variant.
Coding change: c.145C>T on transcript NM_024580.6 (MANE Select); coding-DNA position 145, C replaced by T.
Protein change: p.Arg49Cys; replaces arginine 49 with cysteine.
Molecular consequence: missense variant. On other transcripts: 5 prime UTR variant (1), non-coding transcript variant (1), intron variant (1).
Genome position (GRCh38, 1-based): chr15:82,259,102, G>A on the plus strand (C>T on the coding strand, the complement: EFL1 is on the minus strand). VCF-style: chr15-82259102-G-A. GRCh37 (hg19) VCF-style: chr15-82551443-G-A.
Other names: c.-560C>T (NM_001322844.2); c.145C>T, p.Arg49Cys (NM_001322845.2); c.91+2586C>T (NM_001040610.3); short protein forms R49C.
Identifiers: ClinVar variation 1917515 (VCV001917515.2), dbSNP rs747015582, ClinGen allele CA7698376.
Genomic context (GRCh38, chr15:82,259,102, plus strand): 5'-TAGCTAATACTGAAATGCAACAAGTATTTATAAAATAATAACATACCTTGCCTGCTAGGC[G>A]GCTGGAGATGATTCCATTGCTAGATATAAGACAGTCAGCCAGAGTAGTTTTTCCTGTTAA-3'
Protein context (NP_078856.4, residues 39-59): LISSNGIISS[Arg49Cys]LAGKLRYMDS